The following is an entry in ClinVar:

NM_182919.4(TICAM1):c.773C>G (p.Ser258Trp)

Gene: TICAM1 (TIR domain containing adaptor molecule 1; minus strand). Cytogenetic location: 19p13.3.
Variant type: single nucleotide variant.
Coding change: c.773C>G on transcript NM_182919.4 (MANE Select); coding-DNA position 773, C replaced by G.
Protein change: p.Ser258Trp; replaces serine 258 with tryptophan.
Molecular consequence: missense variant.
Genome position (GRCh38, 1-based): chr19:4,817,605, G>C on the plus strand (C>G on the coding strand, the complement: TICAM1 is on the minus strand). VCF-style: chr19-4817605-G-C. GRCh37 (hg19) VCF-style: chr19-4817617-G-C.
Other names: c.731C>G, p.Ser244Trp (NM_001385678.1); c.638C>G, p.Ser213Trp (NM_001385679.1); c.131C>G, p.Ser44Trp (NM_001385680.1); short protein forms S244W, S258W, S44W, S213W.
Identifiers: ClinVar variation 2066404 (VCV002066404.1), dbSNP rs370748549, ClinGen allele CA304548176.

ClinVar aggregate classification (germline): Uncertain significance (1 of 4 stars; one submission).

Conditions:
Encephalopathy, acute, infection-induced (herpes-specific), susceptibility to, 6. Also called: Herpes simplex encephalitis, susceptibility to, 4. Identifiers: Orphanet 1930, MedGen C3553869, MONDO:0013921, OMIM 614850.

gnomAD v4.1: 45 of 1,601,398 alleles (0.0028%); highest among the groups gnomAD compares: Non-Finnish European, 0.000085%; 3 homozygotes.

Submission:

Labcorp Genetics (formerly Invitae), Labcorp
Classification: Uncertain significance for Encephalopathy, acute, infection-induced (herpes-specific), susceptibility to, 6. Last evaluated: 2022-08-13. Review status: criteria provided, single submitter. Criteria: Invitae Variant Classification Sherloc (09022015). Collection method: clinical testing. Allele origin: germline.
Comment: This sequence change replaces serine, which is neutral and polar, with tryptophan, which is neutral and slightly polar, at codon 258 of the TICAM1 protein (p.Ser258Trp). This variant is present in population databases (no rsID available, gnomAD no frequency). This variant has not been reported in the literature in individuals affected with TICAM1-related conditions. Algorithms developed to predict the effect of missense changes on protein structure and function are either unavailable or do not agree on the potential impact of this missense change (SIFT: "Deleterious"; PolyPhen-2: "Probably Damaging"; Align-GVGD: "Class C0"). In summary, the available evidence is currently insufficient to determine the role of this variant in disease. Therefore, it has been classified as a Variant of Uncertain Significance.